The following is an entry in ClinVar:

ClinVar aggregate classification (germline): Pathogenic. Review status: reviewed by expert panel (3 of 4 stars). 2 submissions from 2 submitters: Pathogenic (1). 1 of the submissions does not count toward it. Last evaluated 2022-06-03.

Conditions:
Glycogen storage disease, type II (IOPD). Also called: CARDIOMEGALIA GLYCOGENICA DIFFUSA; GLYCOGENOSIS, GENERALIZED, CARDIAC FORM; GSD II; POMPE DISEASE, INFANTILE-ONSET; GLYCOGEN STORAGE DISEASE II, INFANTILE-ONSET; ACID ALPHA-GLUCOSIDASE DEFICIENCY, INFANTILE-ONSET. Identifiers: Orphanet 365, MedGen C0017921, MONDO:0009290, OMIM 232300.

Submissions (2):

ClinGen Lysosomal Storage Disorder Variant Curation Expert Panel
Classification: Pathogenic for Glycogen storage disease, type II. Last evaluated: 2022-06-03. Review status: reviewed by expert panel. Criteria: clingen_lsd_acmg_specifications_v2-1. Collection method: curation. Allele origin: germline. Inheritance: Autosomal recessive inheritance.
Comment: The NM_000152.5:c.1705dup (p.Tyr569LeufsTer67) variant in GAA is a frameshift variant predicted to cause a premature stop codon in biologically-relevant-exon 14/20, leading to nonsense mediated decay in a gene in which loss-of-function is an established disease mechanism (PVS1). One patient, with infantile onset Pompe disease, has been reported with residual GAA activity <10%, CRIM-negative, and with clinical improvements on enzyme replacement therapy (PMID 23601496, 33972680) (PP4_Moderate). This patient is compound heterozygous for the variant and a variant that has been classified as pathogenic by the ClinGen LSD VCEP, c.1396del (PMID 23601496, 33972680). The phase is unknown. 0.5 points (PM3_Supporting). The variant is absent in gnomAD v2.1.1. (PM2_Supporting). There is no ClinVar entry for this variant. In summary, this variant meets the criteria to be classified as pathogenic for Pompe disease. GAA-specific ACMG/AMP criteria met, as specified by the ClinGen LSD VCEP (Specifications Version 2): PVS1, PP4_Moderate, PM2_Supporting, PM3_Supporting.

Genomenon, Inc
Classification: Pathogenic for Glycogen storage disease, type II. Last evaluated: 2026-07-01. Review status: criteria provided, single submitter. Criteria: Genomenon Sequence Variant Interpretation Standards - Updated. Collection method: curation. Allele origin: germline. Affected: yes. Not counted in ClinVar's aggregate classification.
Comment: GAA p.Tyr569LeufsTer67 (c.1705dup) is a frameshift variant that is predicted to introduce a premature termination codon and result in a truncated or absent protein product. This variant has been observed in at least one proband with a GAA-related disorder (PMID:23601496). It is absent or not present at a significant frequency in gnomAD. In conclusion, we classify GAA p.Tyr569LeufsTer67 (c.1705dup) as a pathogenic variant.

Literature cited by the submitters: PubMed 23601496 (cited by Genomenon, Inc).

NM_000152.5(GAA):c.1705dup (p.Tyr569fs)

Gene: GAA (alpha glucosidase; plus strand). Cytogenetic location: 17q25.3.
Variant type: Duplication.
Coding change: c.1705dup on transcript NM_000152.5 (MANE Select); coding-DNA position 1705, one base duplicated (T; older notation c.1705dupT).
Protein change: p.Tyr569fs; shifts the reading frame from tyrosine 569.
Molecular consequence: frameshift variant.
Genome position (GRCh38, 1-based): chr17:80,112,051, T duplicated. VCF-style (leftmost placement, unchanged base first): chr17-80112050-C-CT. GRCh37 (hg19) VCF-style: chr17-78085849-C-CT.
Other names: NM_001079804.3:c.1705dup; c.1705dup, p.Tyr569fs (NM_001079803.3, NM_001079804.3); short protein forms Y569fs.
Identifiers: ClinVar variation 1693545 (VCV001693545.2), dbSNP rs2143883097, ClinGen allele CA658795264.